The following is an entry in ClinVar:

ClinVar aggregate classification (germline): Benign. Review status: criteria provided, multiple submitters, no conflicts (2 of 4 stars). 13 submissions from 13 submitters: Benign (11). 2 of the submissions do not count toward it. Last evaluated 2026-02-02.

Conditions:
Microcephaly 2, primary, autosomal recessive, with or without cortical malformations. Also called: WDR62 Primary Microcephaly; MICROCEPHALY 2, PRIMARY, AUTOSOMAL RECESSIVE, WITH CORTICAL MALFORMATIONS. Identifiers: Orphanet 2512, MedGen C1858535, MONDO:0011435, OMIM 604317.

Allele frequency attached by ClinVar (database versions not stated): TOPMed 0.14511; ESP Exome Variant Server 0.15354; 1000 Genomes Project 30x 0.12430; 1000 Genomes Project 0.12500.
gnomAD v4.1: 307,428 of 1,612,594 alleles (19%); highest among the groups gnomAD compares: Middle Eastern, 23%; 30,757 homozygotes.

Submissions (13):

Labcorp Genetics (formerly Invitae), Labcorp
Classification: Benign. Last evaluated: 2026-02-02. Review status: criteria provided, single submitter. Criteria: Invitae Variant Classification Sherloc (09022015). Collection method: clinical testing. Allele origin: germline.

Blueprint Genetics
Classification: Benign. Last evaluated: 2024-11-28. Review status: criteria provided, single submitter. Criteria: ACMG Guidelines, 2015. Collection method: clinical testing. Allele origin: germline.

Genome-Nilou Lab
Classification: Benign for Microcephaly 2, primary, autosomal recessive, with or without cortical malformations. Last evaluated: 2021-12-05. Review status: criteria provided, single submitter. Criteria: ACMG Guidelines, 2015. Collection method: clinical testing. Allele origin: germline. Affected: no.

Mayo Clinic Laboratories, Mayo Clinic
Classification: Benign. Last evaluated: 2018-04-02. Review status: criteria provided, single submitter. Criteria: ACMG Guidelines, 2015. Collection method: clinical testing. Allele origin: germline. Observed: 196 variant alleles.

Illumina Laboratory Services, Illumina
Classification: Benign for Microcephaly 2, primary, autosomal recessive, with or without cortical malformations. Last evaluated: 2018-01-13. Review status: criteria provided, single submitter. Criteria: ICSL Variant Classification Criteria 13 December 2019. Collection method: clinical testing. Allele origin: germline.
Comment: This variant was observed in the ICSL laboratory as part of a predisposition screen in an ostensibly healthy population. It had not been previously curated by ICSL or reported in the Human Gene Mutation Database (HGMD: prior to June 1st, 2018), and was therefore a candidate for classification through an automated scoring system. Utilizing variant allele frequency, disease prevalence and penetrance estimates, and inheritance mode, an automated score was calculated to assess if this variant is too frequent to cause the disease. Based on the score and internal cut-off values, a variant classified as benign is not then subjected to further curation. The score for this variant resulted in a classification of benign for this disease.

Athena Diagnostics
Classification: Benign for Microcephaly 2, primary, autosomal recessive, with or without cortical malformations. Last evaluated: 2017-06-09. Review status: criteria provided, single submitter. Criteria: Athena Diagnostics Criteria. Collection method: clinical testing. Allele origin: germline.

Eurofins Ntd Llc (ga)
Classification: Benign. Last evaluated: 2016-06-17. Review status: criteria provided, single submitter. Criteria: EGL Classification Definitions 2015. Collection method: clinical testing. Allele origin: germline. Observed: 1 variant allele, 1 heterozygote.

GeneDx
Classification: Benign. Last evaluated: 2015-03-03. Review status: criteria provided, single submitter. Criteria: GeneDx Variant Classification Process June 2021. Collection method: clinical testing. Allele origin: germline. Affected: yes.

Genetic Services Laboratory, University of Chicago
Classification: Benign. Last evaluated: 2013-02-08. Review status: criteria provided, single submitter. Criteria: ACMG Guidelines, 2007. Collection method: clinical testing. Allele origin: germline. Inheritance: Autosomal recessive inheritance.

Breakthrough Genomics
Classification: Benign. Review status: criteria provided, single submitter. Criteria: ACMG Guidelines, 2015. Collection method: not provided. Allele origin: germline. Inheritance: Autosomal recessive inheritance. Affected: yes.

PreventionGenetics, part of Exact Sciences
Classification: Benign. Review status: criteria provided, single submitter. Criteria: ACMG Guidelines, 2015. Collection method: clinical testing. Allele origin: germline.

Clinical Genetics DNA and cytogenetics Diagnostics Lab, Erasmus MC, Erasmus Medical Center
Classification: Benign. Review status: no assertion criteria provided. Collection method: clinical testing. Allele origin: germline. Affected: yes. Study: VKGL Data-share Consensus. Not counted in ClinVar's aggregate classification.

Joint Genome Diagnostic Labs from Nijmegen and Maastricht, Radboudumc and MUMC+
Classification: Benign. Review status: no assertion criteria provided. Collection method: clinical testing. Allele origin: germline. Affected: yes. Study: VKGL Data-share Consensus. Not counted in ClinVar's aggregate classification.

NM_001083961.2(WDR62):c.1641G>A (p.Thr547=)

Gene: WDR62 (WD repeat domain 62; plus strand). Cytogenetic location: 19q13.12.
Variant type: single nucleotide variant.
Coding change: c.1641G>A on transcript NM_001083961.2 (MANE Select); coding-DNA position 1641, G replaced by A.
Protein change: p.Thr547=; no amino-acid change (threonine 547 retained).
Molecular consequence: synonymous variant.
Genome position (GRCh38, 1-based): chr19:36,084,743, G>A. VCF-style: chr19-36084743-G-A. GRCh37 (hg19) VCF-style: chr19-36575645-G-A.
Other names: p.Thr547=; c.1641G>A, p.Thr547= (NM_173636.5).
Identifiers: ClinVar variation 160252 (VCV000160252.32), dbSNP rs2301734, ClinGen allele CA173896.